The following is an entry in ClinVar:

NM_000392.5(ABCC2):c.2755T>A (p.Ser919Thr)

Genes: ABCC2 (ATP binding cassette subfamily C member 2; plus strand), LOC126861012 (BRD4-independent group 4 enhancer GRCh37_chr10:101589748-101590947; plus strand). Cytogenetic location: 10q24.2.
Variant type: single nucleotide variant.
Coding change: c.2755T>A on transcript NM_000392.5 (MANE Select); coding-DNA position 2755, T replaced by A.
Protein change: p.Ser919Thr; replaces serine 919 with threonine.
Molecular consequence: missense variant.
Genome position (GRCh38, 1-based): chr10:99,830,723, T>A. VCF-style: chr10-99830723-T-A. GRCh37 (hg19) VCF-style: chr10-101590480-T-A.
Other names: c.2755T>A (NM_000392.4); c.2755T>A, p.Ser919Thr (LRG_1208t1); short protein forms S919T.
Identifiers: ClinVar variation 500956 (VCV000500956.7), dbSNP rs775944091, ClinGen allele CA5643600.

ClinVar aggregate classification (germline): Uncertain significance. Review status: criteria provided, multiple submitters, no conflicts (2 of 4 stars). 3 submissions from 3 submitters: Uncertain significance (3). Last evaluated 2026-07-28.

Conditions:
ABCC2-related disorder. Also called: ABCC2-related condition.
Dubin-Johnson syndrome (DJS). Also called: HYPERBILIRUBINEMIA, DUBIN-JOHNSON TYPE; Hyperbilirubinemia type 2; Jaundice, Chronic Idiopathic. Identifiers: Orphanet 234, MedGen C0022350, MONDO:0009380, OMIM 237500.

Allele frequency attached by ClinVar (database versions not stated): ExAC 0.00001; gnomAD exomes 0.00001 and 0.00002.
gnomAD v4.1: 9 of 1,614,010 alleles (0.00056%); highest among the groups gnomAD compares: East Asian, 0.02%; no homozygotes.

Submissions (3):

PreventionGenetics, part of Exact Sciences
Classification: Uncertain significance for ABCC2-related condition. Last evaluated: 2026-07-28. Review status: criteria provided, single submitter. Criteria: ACMG Guidelines, 2015. Collection method: clinical testing. Allele origin: germline.
Comment: The ABCC2 c.2755T>A variant is predicted to result in the amino acid substitution p.Ser919Thr. This variant was reported as a variant of uncertain significance along with the pathogenic variant (c.4239_4240dupTC, p.His1414Leufs*18, phase unknown) in an individual with Dubin-Johnson syndrome (Liu et al. 2021. PubMed ID: 34298581); however, these two variants have also been observed together and expected to be part of the same haplotype in 5 cases in gnomAD, indicating these two changes are more likely to be in cis. This variant is reported in 0.027% of alleles in individuals of East Asian descent in gnomAD. At this time, the clinical significance of this variant is uncertain due to the absence of conclusive functional and genetic evidence.

Fulgent Genetics
Classification: Uncertain significance for Dubin-Johnson syndrome. Last evaluated: 2018-10-31. Review status: criteria provided, single submitter. Criteria: ACMG Guidelines, 2015. Collection method: clinical testing. Allele origin: unknown.

Eurofins Ntd Llc (ga)
Classification: Uncertain significance. Last evaluated: 2017-03-21. Review status: criteria provided, single submitter. Criteria: EGL Classification Definitions 2015. Collection method: clinical testing. Allele origin: germline. Observed: 1 variant allele, 1 heterozygote.